The following is an entry in ClinVar:

NM_000038.6(APC):c.8119_8120insT (p.Gly2707fs)

Gene: APC (APC regulator of Wnt signaling pathway; plus strand). Cytogenetic location: 5q22.2.
Variant type: Insertion.
Coding change: c.8119_8120insT on transcript NM_000038.6 (MANE Select); coding-DNA positions 8119 to 8120, T inserted.
Protein change: p.Gly2707fs; shifts the reading frame from glycine 2707.
Molecular consequence: frameshift variant. On other transcripts: non-coding transcript variant (2).
Genome position: GRCh38 VCF-style: chr5-112843713-G-GT. GRCh37 (hg19) VCF-style: chr5-112179410-G-GT.
Other names: c.8119_8120insT, p.Gly2707fs (NM_001127510.3, NM_001354895.2, NM_001407450.1); c.8065_8066insT, p.Gly2689fs (NM_001127511.3); c.8173_8174insT, p.Gly2725fs (NM_001354896.2, NM_001407447.1, NM_001407448.1 and 1 more transcripts); c.8149_8150insT, p.Gly2717fs (NM_001354897.2); c.8044_8045insT, p.Gly2682fs (NM_001354898.2); c.8035_8036insT, p.Gly2679fs (NM_001354899.2); c.7996_7997insT, p.Gly2666fs (NM_001354900.2); c.7942_7943insT, p.Gly2648fs (NM_001354901.2, NM_001407453.1); and 11 more; short protein forms G2323fs, G2424fs, G2547fs, G2578fs, G2581fs, G2606fs, G2616fs, G2624fs.
Identifiers: ClinVar variation 4757018 (VCV004757018.1).
Genomic context (GRCh38, chr5:112,843,713, plus strand): 5'-TCAGAAAAGGCAAATCCAAACATTAAAGATTCAAAAGATAATCAGGCAAAACAAAATGTG[G>GT]GTAATGGCAGTGTTCCCATGCGTACCGTGGGTTTGGAAAATCGCCTGAACTCCTTTATTC-3'

ClinVar aggregate classification (germline): Uncertain significance (1 of 4 stars; one submission).

Conditions:
Hereditary cancer-predisposing syndrome. Also called: Tumor predisposition; Hereditary Cancer Syndrome; Neoplastic Syndromes, Hereditary; Hereditary neoplastic syndrome. Identifiers: Orphanet 140162, MedGen C0027672, MeSH D009386, MONDO:0015356.

Submission:

Color Diagnostics, LLC DBA Color Health
Classification: Uncertain significance for Hereditary cancer-predisposing syndrome. Last evaluated: 2025-06-12. Review status: criteria provided, single submitter. Criteria: ACMG Guidelines, 2015. Collection method: clinical testing. Allele origin: germline.
Comment: This variant inserts 1 nucleotide in exon 16/16 of the APC gene, creating a frameshift and premature translation stop signal. This mutant transcript is predicted to escape nonsense-mediated decay and be expressed as a truncated protein. To our knowledge, this variant has not been reported in individuals affected with APC-related disorders in the literature. This variant has not been identified in the general population by the Genome Aggregation Database (gnomAD). Loss of APC function is a known mechanism of disease. The available evidence is insufficient to determine the role of this variant in disease conclusively. Therefore, this variant is classified as a Variant of Uncertain Significance.